The following is an entry in ClinVar:

ClinVar aggregate classification (germline): Uncertain significance. Review status: criteria provided, multiple submitters, no conflicts (2 of 4 stars). 2 submissions from 2 submitters: Uncertain significance (2). Last evaluated 2024-06-26.

Allele frequency attached by ClinVar (database versions not stated): gnomAD 0.00001; ExAC 0.00002.
gnomAD v4.1: 19 of 1,612,142 alleles (0.0012%); highest among the groups gnomAD compares: Middle Eastern, 0.017%; no homozygotes.

Submissions (2):

Mayo Clinic Laboratories, Mayo Clinic
Classification: Uncertain significance. Last evaluated: 2024-06-26. Review status: criteria provided, single submitter. Criteria: ACMG Guidelines, 2015. Collection method: clinical testing. Allele origin: germline. Observed: 1 variant allele.
Comment: PP3, PM2

Labcorp Genetics (formerly Invitae), Labcorp
Classification: Uncertain significance. Last evaluated: 2022-07-08. Review status: criteria provided, single submitter. Criteria: Invitae Variant Classification Sherloc (09022015). Collection method: clinical testing. Allele origin: germline.
Comment: In summary, the available evidence is currently insufficient to determine the role of this variant in disease. Therefore, it has been classified as a Variant of Uncertain Significance. Advanced modeling of protein sequence and biophysical properties (such as structural, functional, and spatial information, amino acid conservation, physicochemical variation, residue mobility, and thermodynamic stability) performed at Invitae indicates that this missense variant is expected to disrupt TWNK protein function. This variant has not been reported in the literature in individuals affected with TWNK-related conditions. This variant is present in population databases (rs747714427, gnomAD 0.003%). This sequence change replaces arginine, which is basic and polar, with tryptophan, which is neutral and slightly polar, at codon 313 of the TWNK protein (p.Arg313Trp).

NM_021830.5(TWNK):c.937C>T (p.Arg313Trp)

Gene: TWNK (twinkle mtDNA helicase; plus strand). Cytogenetic location: 10q24.31.
Variant type: single nucleotide variant.
Coding change: c.937C>T on transcript NM_021830.5 (MANE Select); coding-DNA position 937, C replaced by T.
Protein change: p.Arg313Trp; replaces arginine 313 with tryptophan.
Molecular consequence: missense variant. On other transcripts: non-coding transcript variant (4), intron variant (3).
Genome position (GRCh38, 1-based): chr10:100,989,147, C>T. VCF-style: chr10-100989147-C-T. GRCh37 (hg19) VCF-style: chr10-102748904-C-T.
Other names: p.Arg313Trp; c.937C>T, p.Arg313Trp (NM_001163812.2); c.-119-497C>T (NM_001163814.2, NM_001163813.2); c.-57-559C>T (NM_001368275.1); short protein forms R313W.
Identifiers: ClinVar variation 1970750 (VCV001970750.6), dbSNP rs747714427, ClinGen allele CA5653141.